The following is an entry in ClinVar:

ClinVar aggregate classification (germline): Likely benign (1 of 4 stars; one submission).

Conditions:
Leigh syndrome (NULS). Also called: Leigh's necrotizing encephalopathy; Leigh's disease; Leigh Syndrome (mtDNA deletion); Leigh Disease; Subacute necrotizing encephalopathy; Necrotizing encephalopathy infantile subacute of Leigh. Identifiers: Orphanet 506, MedGen C2931891, MONDO:0009723, OMIM 256000.

Submission:

Wong Mito Lab, Molecular and Human Genetics, Baylor College of Medicine
Classification: Likely benign for Leigh syndrome. Last evaluated: 2019-10-17. Review status: criteria provided, single submitter. Criteria: Modified ACMG Guidelines (Unpublished). Collection method: clinical testing. Allele origin: germline.
Comment: The NC_012920.1:m.8626T>C (YP_003024031.1:p.Ser34Pro) variant in MTATP6 gene is interpretated to be a Likely Benign variant based on the modified ACMG guidelines (unpublished). This variant meets the following evidence codes: BS1, BP6

NC_012920.1(MT-ATP6):m.8626T>C

Gene: MT-ATP6 (mitochondrially encoded ATP synthase 6; plus strand).
Variant type: single nucleotide variant.
Genome position: chrM-8626-T-C.
Identifiers: ClinVar variation 692932 (VCV000692932.1), dbSNP rs1603221648, ClinGen allele CA414797018.
Genomic context (GRCh38, chrMT:8,626, plus strand): 5'-ATCCTAGGCCTACCCGCCGCAGTACTGATCATTCTATTTCCCCCTCTATTGATCCCCACC[T>C]CCAAATATCTCATCAACAACCGACTAATCACCACCCAACAATGACTAATCAAACTAACCT-3'